The following is an entry in ClinVar:

ClinVar aggregate classification (germline): Uncertain significance (1 of 4 stars; one submission).

gnomAD v4.1: 2 of 1,613,686 alleles (0.00012%); highest among the groups gnomAD compares: African/African-American, 0.0013%; no homozygotes.

Submission:

Ambry Genetics
Classification: Uncertain significance. Last evaluated: 2026-01-24. Review status: criteria provided, single submitter. Criteria: Ambry Variant Classification Scheme 2023. Collection method: clinical testing. Allele origin: germline.
Comment: The p.D367Y variant (also known as c.1099G>T), located in coding exon 8 of the ATRIP gene, results from a G to T substitution at nucleotide position 1099. The aspartic acid at codon 367 is replaced by tyrosine, an amino acid with highly dissimilar properties. This amino acid position is conserved. In addition, this alteration is predicted to be tolerated by in silico analysis. Based on the available evidence, the clinical significance of this variant remains unclear.

NM_130384.3(ATRIP):c.1099G>T (p.Asp367Tyr)

Genes: ATRIP (ATR interacting protein; plus strand), ATRIP-TREX1 (ATRIP-TREX1 readthrough; plus strand). Cytogenetic location: 3p21.31.
Variant type: single nucleotide variant.
Coding change: c.1099G>T on transcript NM_130384.3 (MANE Select); coding-DNA position 1099, G replaced by T.
Protein change: p.Asp367Tyr; replaces aspartic acid 367 with tyrosine.
Molecular consequence: missense variant. On other transcripts: non-coding transcript variant (1).
Genome position (GRCh38, 1-based): chr3:48,460,153, G>T. VCF-style: chr3-48460153-G-T. GRCh37 (hg19) VCF-style: chr3-48501552-G-T.
Other names: c.718G>T, p.Asp240Tyr (NM_001271022.2); c.820G>T, p.Asp274Tyr (NM_001271023.2); c.1099G>T, p.Asp367Tyr (NM_032166.4); short protein forms D367Y, D240Y, D274Y.
Identifiers: ClinVar variation 4844931 (VCV004844931.1).